The following is an entry in ClinVar:

NM_000334.4(SCN4A):c.5293G>A (p.Ala1765Thr)

Genes: GH-LCR (growth hormone locus control region; plus strand), SCN4A (sodium voltage-gated channel alpha subunit 4; minus strand). Cytogenetic location: 17q23.3.
Variant type: single nucleotide variant.
Coding change: c.5293G>A on transcript NM_000334.4 (MANE Select); coding-DNA position 5293, G replaced by A.
Protein change: p.Ala1765Thr; replaces alanine 1765 with threonine.
Molecular consequence: missense variant.
Genome position (GRCh38, 1-based): chr17:63,940,989, C>T on the plus strand (G>A on the coding strand, the complement: SCN4A is on the minus strand). VCF-style: chr17-63940989-C-T. GRCh37 (hg19) VCF-style: chr17-62018349-C-T.
Other names: short protein forms A1765T.
Identifiers: ClinVar variation 324507 (VCV000324507.17), dbSNP rs531694454, ClinGen allele CA8708788.

ClinVar aggregate classification (germline): Conflicting classifications of pathogenicity. Review status: criteria provided, conflicting classifications (1 of 4 stars). 7 submissions from 3 submitters: Uncertain significance (1); Benign (5); Likely benign (1). Last evaluated 2025-12-08.

Conditions:
Congenital myasthenic syndrome 16. Identifiers: Orphanet 590, MedGen C3280112, MONDO:0013620, OMIM 614198.
Paramyotonia congenita of Von Eulenburg. Also called: Paramyotonia Congenita; PARALYSIS PERIODICA PARAMYOTONICA; Eulenburg disease; Myotonia congenita intermittens; Von Eulenburg paramyotonia congenita. Identifiers: Orphanet 684, MedGen C0221055, MONDO:0008195, OMIM 168300. Disease mechanism: loss of function.
Potassium-aggravated myotonia. Also called: Myotonia congenita, atypical, acetazolamide-responsive; MYOTONIA CONGENITA, ACETAZOLAMIDE-RESPONSIVE; MYOTONIA CONGENITA, ATYPICAL; SODIUM CHANNEL MUSCLE DISEASE. Identifiers: Orphanet 612, Orphanet 99734, Orphanet 99735, Orphanet 99736, MedGen C2931826, MONDO:0018959, OMIM 608390.
Hyperkalemic periodic paralysis. Also called: Familial hyperkalemic periodic paralysis; Gamstorp disease. Identifiers: Orphanet 682, MedGen C0238357, MONDO:0008224, OMIM 170500, HP:0007215.
Hypokalemic periodic paralysis, type 2 (HOKPP2). Identifiers: Orphanet 681, MedGen C2750061, MONDO:0013234, OMIM 613345.

Allele frequency attached by ClinVar (database versions not stated): TOPMed 0.00004; 1000 Genomes Project 30x 0.00062; gnomAD 0.00001 and 0.00014; ExAC 0.00055; gnomAD exomes 0.00049; 1000 Genomes Project 0.00080.
gnomAD v4.1: 401 of 1,613,140 alleles (0.025%); highest among the groups gnomAD compares: South Asian, 0.39%; 3 homozygotes.

Submissions (7):

Labcorp Genetics (formerly Invitae), Labcorp
Classification: Likely benign for Hyperkalemic periodic paralysis. Last evaluated: 2025-12-08. Review status: criteria provided, single submitter. Criteria: Invitae Variant Classification Sherloc (09022015). Collection method: clinical testing. Allele origin: germline.

Illumina Laboratory Services, Illumina
Classification: Benign for Potassium-aggravated myotonia. Last evaluated: 2018-01-13. Review status: criteria provided, single submitter. Criteria: ICSL Variant Classification Criteria 13 December 2019. Collection method: clinical testing. Allele origin: germline.
Comment: This variant was observed in the ICSL laboratory as part of a predisposition screen in an ostensibly healthy population. It had not been previously curated by ICSL or reported in the Human Gene Mutation Database (HGMD: prior to June 1st, 2018), and was therefore a candidate for classification through an automated scoring system. Utilizing variant allele frequency, disease prevalence and penetrance estimates, and inheritance mode, an automated score was calculated to assess if this variant is too frequent to cause the disease. Based on the score and internal cut-off values, a variant classified as benign is not then subjected to further curation. The score for this variant resulted in a classification of benign for this disease.

Illumina Laboratory Services, Illumina
Classification: Benign for Hyperkalemic periodic paralysis. Last evaluated: 2018-01-13. Review status: criteria provided, single submitter. Criteria: ICSL Variant Classification Criteria 13 December 2019. Collection method: clinical testing. Allele origin: germline.
Comment: the same text as in the submission from Illumina Laboratory Services, Illumina above.

Illumina Laboratory Services, Illumina
Classification: Uncertain significance for Congenital myasthenic syndrome 16. Last evaluated: 2018-01-13. Review status: criteria provided, single submitter. Criteria: ICSL Variant Classification Criteria 13 December 2019. Collection method: clinical testing. Allele origin: germline.

Illumina Laboratory Services, Illumina
Classification: Benign for Hypokalemic periodic paralysis, type 2. Last evaluated: 2018-01-13. Review status: criteria provided, single submitter. Criteria: ICSL Variant Classification Criteria 13 December 2019. Collection method: clinical testing. Allele origin: germline.
Comment: the same text as in the submission from Illumina Laboratory Services, Illumina above.

Illumina Laboratory Services, Illumina
Classification: Benign for Paramyotonia congenita of Von Eulenburg. Last evaluated: 2018-01-13. Review status: criteria provided, single submitter. Criteria: ICSL Variant Classification Criteria 13 December 2019. Collection method: clinical testing. Allele origin: germline.
Comment: the same text as in the submission from Illumina Laboratory Services, Illumina above.

Athena Diagnostics
Classification: Benign. Last evaluated: 2016-11-04. Review status: criteria provided, single submitter. Criteria: Athena Diagnostics Criteria. Collection method: clinical testing. Allele origin: germline.